The following is an entry in ClinVar:

NM_001083962.2(TCF4):c.216A>C (p.Gly72=)

Genes: TCF4 (transcription factor 4; minus strand), TCF4-AS1 (TCF4 antisense RNA 1; plus strand). Cytogenetic location: 18q21.2.
Variant type: single nucleotide variant.
Coding change: c.216A>C on transcript NM_001083962.2 (MANE Select); coding-DNA position 216, A replaced by C.
Protein change: p.Gly72=; no amino-acid change (glycine 72 retained).
Molecular consequence: synonymous variant.
Genome position (GRCh38, 1-based): chr18:55,461,107, T>G on the plus strand (A>C on the coding strand, the complement: TCF4 is on the minus strand). VCF-style: chr18-55461107-T-G. GRCh37 (hg19) VCF-style: chr18-53128338-T-G.
Other names: c.522A>C, p.Gly174= (NM_001243226.3); c.144A>C, p.Gly48= (NM_001243227.2, NM_001306207.1, NM_001348217.1 and 15 more transcripts); c.216A>C, p.Gly72= (NM_001243228.2, NM_001330604.3, NM_001369567.1 and 8 more transcripts); c.210A>C, p.Gly70= (NM_001243230.2); c.90A>C, p.Gly30= (NM_001243231.2, NM_001348211.2).
Identifiers: ClinVar variation 511386 (VCV000511386.12), dbSNP rs373658921, ClinGen allele CA8970616.

ClinVar aggregate classification (germline): Likely benign. Review status: criteria provided, multiple submitters, no conflicts (2 of 4 stars). 3 submissions from 3 submitters: Likely benign (2). 1 of the submissions does not count toward it. Last evaluated 2026-01-05.

Conditions:
TCF4-related disorder. Also called: TCF4-related condition.
Pitt-Hopkins syndrome (PTHS). Also called: ENCEPHALOPATHY, SEVERE EPILEPTIC, WITH AUTONOMIC DYSFUNCTION; MENTAL RETARDATION, SYNDROMAL, WITH INTERMITTENT HYPERVENTILATION. Identifiers: Orphanet 2896, MedGen C1970431, MONDO:0012589, OMIM 610954.

Allele frequency attached by ClinVar (database versions not stated): gnomAD exomes below 0.00001 and 0.00001; ExAC 0.00001; gnomAD 0.00003 and 0.00004; TOPMed 0.00003; ESP Exome Variant Server 0.00008.
gnomAD v4.1: 7 of 1,611,836 alleles (0.00043%); highest among the groups gnomAD compares: African/African-American, 0.0094%; no homozygotes.

Submissions (3):

Labcorp Genetics (formerly Invitae), Labcorp
Classification: Likely benign for Pitt-Hopkins syndrome. Last evaluated: 2026-01-05. Review status: criteria provided, single submitter. Criteria: Invitae Variant Classification Sherloc (09022015). Collection method: clinical testing. Allele origin: germline.

GeneDx
Classification: Likely benign. Last evaluated: 2017-08-09. Review status: criteria provided, single submitter. Criteria: GeneDx Variant Classification (06012015). Collection method: clinical testing. Allele origin: germline. Affected: yes.
Comment: This variant is considered likely benign or benign based on one or more of the following criteria: it is a conservative change, it occurs at a poorly conserved position in the protein, it is predicted to be benign by multiple in silico algorithms, and/or has population frequency not consistent with disease.

PreventionGenetics, part of Exact Sciences
Classification: Likely benign for TCF4-related condition. Last evaluated: 2024-09-04. Review status: no assertion criteria provided. Collection method: clinical testing. Allele origin: germline. Not counted in ClinVar's aggregate classification.
Comment: This variant is classified as likely benign based on ACMG/AMP sequence variant interpretation guidelines (Richards et al. 2015 PMID: 25741868, with internal and published modifications).